The following is an entry in ClinVar:

NM_001164665.2(KIAA1549):c.4370A>G (p.Asn1457Ser)

Gene: KIAA1549 (KIAA1549; minus strand). Cytogenetic location: 7q34.
Variant type: single nucleotide variant.
Coding change: c.4370A>G on transcript NM_001164665.2 (MANE Select); coding-DNA position 4370, A replaced by G.
Protein change: p.Asn1457Ser; replaces asparagine 1457 with serine.
Molecular consequence: missense variant.
Genome position (GRCh38, 1-based): chr7:138,871,338, T>C on the plus strand (A>G on the coding strand, the complement: KIAA1549 is on the minus strand). VCF-style: chr7-138871338-T-C. GRCh37 (hg19) VCF-style: chr7-138556084-T-C.
Other names: c.4370A>G, p.Asn1457Ser (NM_020910.3); c.4370A>G (NM_001164665.1); short protein forms N1457S.
Identifiers: ClinVar variation 1058305 (VCV001058305.8), dbSNP rs200600633, ClinGen allele CA4505920.
Genomic context (GRCh38, chr7:138,871,338, plus strand): 5'-TCCGGGGGGCGGGAGATCCTGTCCACGTGCTCGAAGATGGAGGCTGATGAGTGCTGCTCA[T>C]TTCCCGAACTGGGCAGTGGTGGCCCTGGAACAGAAGGAAAAGCAAAACACATACACGAAG-3'
Protein context (NP_001158137.1, residues 1447-1467): QSGPPLPSSG[Asn1457Ser]EQHSSASIFE

ClinVar aggregate classification (germline): Conflicting classifications of pathogenicity. Review status: criteria provided, conflicting classifications (1 of 4 stars). 3 submissions from 3 submitters: Uncertain significance (2); Likely benign (1). Last evaluated 2025-08-21.

Conditions:
Inborn genetic diseases. Identifiers: MedGen C0950123, MeSH D030342.

Allele frequency attached by ClinVar (database versions not stated): gnomAD exomes 0.00008 and 0.00019; gnomAD 0.00009 and 0.00011; ExAC 0.00012; TOPMed 0.00015; 1000 Genomes Project 30x 0.00016; 1000 Genomes Project 0.00020.
gnomAD v4.1: 127 of 1,565,772 alleles (0.0081%); highest among the groups gnomAD compares: Admixed American, 0.072%; 1 homozygote.

Submissions (3):

Labcorp Genetics (formerly Invitae), Labcorp
Classification: Uncertain significance. Last evaluated: 2025-08-21. Review status: criteria provided, single submitter. Criteria: Invitae Variant Classification Sherloc (09022015). Collection method: clinical testing. Allele origin: germline.
Comment: This sequence change replaces asparagine, which is neutral and polar, with serine, which is neutral and polar, at codon 1457 of the KIAA1549 protein (p.Asn1457Ser). This variant is present in population databases (rs200600633, gnomAD 0.09%). This variant has not been reported in the literature in individuals affected with KIAA1549-related conditions. ClinVar contains an entry for this variant (Variation ID: 1058305). An algorithm developed to predict the effect of missense changes on protein structure and function (PolyPhen-2) suggests that this variant is likely to be tolerated. In summary, the available evidence is currently insufficient to determine the role of this variant in disease. Therefore, it has been classified as a Variant of Uncertain Significance.

Ambry Genetics
Classification: Uncertain significance for Inborn genetic diseases. Last evaluated: 2024-06-13. Review status: criteria provided, single submitter. Criteria: Ambry Variant Classification Scheme 2023. Collection method: clinical testing. Allele origin: germline.

Blueprint Genetics
Classification: Likely benign. Last evaluated: 2023-09-22. Review status: criteria provided, single submitter. Criteria: ACMG Guidelines, 2015. Collection method: clinical testing. Allele origin: germline.